The following is an entry in ClinVar:

ClinVar aggregate classification (germline): Uncertain significance. Review status: criteria provided, multiple submitters, no conflicts (2 of 4 stars). 2 submissions from 2 submitters: Uncertain significance (2). Last evaluated 2024-11-25.

Conditions:
Inborn genetic diseases. Identifiers: MedGen C0950123, MeSH D030342.
Mosaic variegated aneuploidy syndrome 2 (MVA2). Identifiers: Orphanet 1052, MedGen C3279843, MONDO:0013582, OMIM 614114.

Allele frequency attached by ClinVar (database versions not stated): gnomAD 0.00002 and 0.00004; gnomAD exomes 0.00006 and 0.00003; TOPMed 0.00002; ExAC 0.00008.

Submissions (2):

Ambry Genetics
Classification: Uncertain significance for Inborn genetic diseases. Last evaluated: 2024-11-25. Review status: criteria provided, single submitter. Criteria: Ambry Variant Classification Scheme 2023. Collection method: clinical testing. Allele origin: germline.
Comment: The p.M153T variant (also known as c.458T>C), located in coding exon 4 of the CEP57 gene, results from a T to C substitution at nucleotide position 458. The methionine at codon 153 is replaced by threonine, an amino acid with similar properties. This amino acid position is conserved. In addition, the in silico prediction for this alteration is inconclusive. Based on the available evidence, the clinical significance of this variant remains unclear.

Labcorp Genetics (formerly Invitae), Labcorp
Classification: Uncertain significance for Mosaic variegated aneuploidy syndrome 2. Last evaluated: 2024-07-23. Review status: criteria provided, single submitter. Criteria: Invitae Variant Classification Sherloc (09022015). Collection method: clinical testing. Allele origin: germline.
Comment: This sequence change replaces methionine, which is neutral and non-polar, with threonine, which is neutral and polar, at codon 153 of the CEP57 protein (p.Met153Thr). This variant is present in population databases (rs759867272, gnomAD 0.05%). This variant has not been reported in the literature in individuals affected with CEP57-related conditions. ClinVar contains an entry for this variant (Variation ID: 665282). Advanced modeling of protein sequence and biophysical properties (such as structural, functional, and spatial information, amino acid conservation, physicochemical variation, residue mobility, and thermodynamic stability) performed at Invitae indicates that this missense variant is not expected to disrupt CEP57 protein function with a negative predictive value of 80%. In summary, the available evidence is currently insufficient to determine the role of this variant in disease. Therefore, it has been classified as a Variant of Uncertain Significance.

NM_014679.5(CEP57):c.458T>C (p.Met153Thr)

Gene: CEP57 (centrosomal protein 57; plus strand). Cytogenetic location: 11q21.
Variant type: single nucleotide variant.
Coding change: c.458T>C on transcript NM_014679.5 (MANE Select); coding-DNA position 458, T replaced by C.
Protein change: p.Met153Thr; replaces methionine 153 with threonine.
Molecular consequence: missense variant.
Genome position (GRCh38, 1-based): chr11:95,813,543, T>C. VCF-style: chr11-95813543-T-C. GRCh37 (hg19) VCF-style: chr11-95546707-T-C.
Other names: c.431T>C, p.Met144Thr (NM_001243776.2); c.458T>C, p.Met153Thr (NM_001243777.2); c.377T>C, p.Met126Thr (NM_001363604.2); short protein forms M144T, M126T, M153T.
Identifiers: ClinVar variation 665282 (VCV000665282.9), dbSNP rs759867272, ClinGen allele CA6239478.
Genomic context (GRCh38, chr11:95,813,543, plus strand): 5'-TGTTAGCTGCAGAAAATAAATGCAATCTATTAGAAAAACAATTGGAATACATGCGAAATA[T>C]GATAAAGCATGCCGAAATGGAGAGGACATCTGTCTTAGAGAAACAAGTAAGTAAAGCACC-3'
Protein context (NP_055494.2, residues 143-163): LEKQLEYMRN[Met153Thr]IKHAEMERTS